The following is an entry in ClinVar:

NM_004863.4(SPTLC2):c.1_23dup (p.Cys8Ter)

Gene: SPTLC2 (serine palmitoyltransferase long chain base subunit 2; minus strand). Cytogenetic location: 14q24.3.
Variant type: Duplication.
Coding change: c.1_23dup on transcript NM_004863.4 (MANE Select); coding-DNA positions 1 to 23, 23 bases duplicated (ATGCGGCCGGAGCCCGGAGGCTG).
Protein change: p.Cys8Ter; replaces cysteine 8 with a stop codon.
Molecular consequence: nonsense, initiator codon variant.
Genome position (GRCh38, 1-based): chr14:77,616,557-77,616,579, CAGCCTCCGGGCTCCGGCCGCAT duplicated on the plus strand (ATGCGGCCGGAGCCCGGAGGCTG on the coding strand, the reverse complement: SPTLC2 is on the minus strand); duplicating any 23 consecutive bases within chr14:77,616,557-77,616,580 gives the same sequence; the c. name uses the placement nearest the transcript's 3' end. VCF-style (leftmost placement, unchanged base first): chr14-77616556-G-GCAGCCTCCGGGCTCCGGCCGCAT. GRCh37 (hg19) VCF-style: chr14-78082899-G-GCAGCCTCCGGGCTCCGGCCGCAT.
Other names: short protein forms C8*.
Identifiers: ClinVar variation 1446508 (VCV001446508.6), dbSNP rs2140071742, ClinGen allele CA2573150171.
Genomic context (GRCh38, chr14:77,616,556, plus strand): 5'-CCCGTTCCGTACTTCCCCGTTCGCCACGCAGCCATTCGCCCGCACCGTGCGGCGGCAGCA[G>GCAGCCTCCGGGCTCCGGCCGCAT]CAGCCTCCGGGCTCCGGCCGCATCTTCCTGGCAGCACCAGGCGCAAGGCAGGCTCTGTAG-3'

ClinVar aggregate classification (germline): Uncertain significance (1 of 4 stars; one submission).

Conditions:
Neuropathy, hereditary sensory and autonomic, type 1C. Also called: HSAN IC; HSN IC. Identifiers: Orphanet 36386, MedGen C3150896, MONDO:0013337, OMIM 613640.

Submission:

Labcorp Genetics (formerly Invitae), Labcorp
Classification: Uncertain significance for Neuropathy, hereditary sensory and autonomic, type 1C. Last evaluated: 2021-11-06. Review status: criteria provided, single submitter. Criteria: Invitae Variant Classification Sherloc (09022015). Collection method: clinical testing. Allele origin: germline.
Comment: In summary, the available evidence is currently insufficient to determine the role of this variant in disease. Therefore, it has been classified as a Variant of Uncertain Significance. This variant has not been reported in the literature in individuals affected with SPTLC2-related conditions. This variant is not present in population databases (gnomAD no frequency). This sequence change creates a premature translational stop signal (p.Cys8*) in the SPTLC2 gene. It is expected to result in an absent or disrupted protein product. However, the current clinical and genetic evidence is not sufficient to establish whether loss-of-function variants in SPTLC2 cause disease.